The following is an entry in ClinVar:

ClinVar aggregate classification (germline): Uncertain significance. Review status: criteria provided, multiple submitters, no conflicts (2 of 4 stars). 4 submissions from 4 submitters: Uncertain significance (4). Last evaluated 2025-12-22.

Conditions:
Hereditary cancer-predisposing syndrome. Also called: Neoplastic Syndromes, Hereditary; Tumor predisposition; Hereditary neoplastic syndrome; Hereditary Cancer Syndrome. Identifiers: Orphanet 140162, MedGen C0027672, MeSH D009386, MONDO:0015356.
Neuroblastoma, susceptibility to, 3. Also called: ALK-Related Neuroblastic Tumor Susceptibility. Identifiers: Orphanet 635, MedGen C2751681, MONDO:0013083, OMIM 613014.

Allele frequency attached by ClinVar (database versions not stated): ExAC 0.00001; gnomAD 0.00009 and 0.00010.
gnomAD v4.1: 18 of 1,171,736 alleles (0.0015%); highest among the groups gnomAD compares: Non-Finnish European, 0.002%; no homozygotes.

Submissions (4):

Labcorp Genetics (formerly Invitae), Labcorp
Classification: Uncertain significance for Neuroblastoma, susceptibility to, 3. Last evaluated: 2025-12-22. Review status: criteria provided, single submitter. Criteria: Invitae Variant Classification Sherloc (09022015). Collection method: clinical testing. Allele origin: germline.
Comment: This sequence change replaces threonine, which is neutral and polar, with isoleucine, which is neutral and non-polar, at codon 917 of the ALK protein (p.Thr917Ile). This variant is present in population databases (rs773447647, gnomAD 0.008%). This variant has not been reported in the literature in individuals affected with ALK-related conditions. ClinVar contains an entry for this variant (Variation ID: 239813). An algorithm developed to predict the effect of missense changes on protein structure and function (PolyPhen-2) suggests that this variant is likely to be disruptive. In summary, the available evidence is currently insufficient to determine the role of this variant in disease. Therefore, it has been classified as a Variant of Uncertain Significance.

Ambry Genetics
Classification: Uncertain significance for Hereditary cancer-predisposing syndrome. Last evaluated: 2025-05-14. Review status: criteria provided, single submitter. Criteria: Ambry Variant Classification Scheme 2023. Collection method: clinical testing. Allele origin: germline.
Comment: The p.T917I variant (also known as c.2750C>T), located in coding exon 16 of the ALK gene, results from a C to T substitution at nucleotide position 2750. The threonine at codon 917 is replaced by isoleucine, an amino acid with similar properties. This amino acid position is highly conserved in available vertebrate species. In addition, the in silico prediction for this alteration is inconclusive. Based on the available evidence, the clinical significance of this variant remains unclear.

GeneDx
Classification: Uncertain significance. Last evaluated: 2024-01-24. Review status: criteria provided, single submitter. Criteria: GeneDx Variant Classification Process June 2021. Collection method: clinical testing. Allele origin: germline. Affected: yes.
Comment: In silico analysis supports that this missense variant has a deleterious effect on protein structure/function; Has not been previously published as pathogenic or benign to our knowledge

Baylor Genetics
Classification: Uncertain significance for Neuroblastoma, susceptibility to, 3. Last evaluated: 2023-10-30. Review status: criteria provided, single submitter. Criteria: ACMG Guidelines, 2015. Collection method: clinical testing. Allele origin: unknown.

NM_004304.5(ALK):c.2750C>T (p.Thr917Ile)

Gene: ALK (ALK receptor tyrosine kinase; minus strand). Cytogenetic location: 2p23.2.
Variant type: single nucleotide variant.
Coding change: c.2750C>T on transcript NM_004304.5 (MANE Select); coding-DNA position 2750, C replaced by T.
Protein change: p.Thr917Ile; replaces threonine 917 with isoleucine.
Molecular consequence: missense variant.
Genome position (GRCh38, 1-based): chr2:29,228,949, G>A on the plus strand (C>T on the coding strand, the complement: ALK is on the minus strand). VCF-style: chr2-29228949-G-A. GRCh37 (hg19) VCF-style: chr2-29451815-G-A.
Other names: short protein forms T917I.
Identifiers: ClinVar variation 239813 (VCV000239813.13), dbSNP rs773447647, ClinGen allele CA1594210.